The following is an entry in ClinVar:

ClinVar aggregate classification (germline): Conflicting classifications of pathogenicity. Review status: criteria provided, conflicting classifications (1 of 4 stars). 3 submissions from 3 submitters: Uncertain significance (1); Likely benign (2). Last evaluated 2026-08-26.

Conditions:
Glycogen storage disease due to muscle and heart glycogen synthase deficiency. Also called: GSD 0b; MUSCLE GLYCOGEN SYNTHASE DEFICIENCY. Identifiers: Orphanet 137625, MedGen C1969054, MONDO:0012693, OMIM 611556.

Allele frequency attached by ClinVar (database versions not stated): TOPMed below 0.00001; ExAC 0.00001; gnomAD exomes 0.00002 and 0.00003; gnomAD 0.00005.
gnomAD v4.1: 24 of 1,613,614 alleles (0.0015%); highest among the groups gnomAD compares: Non-Finnish European, 0.0019%; no homozygotes.

Submissions (3):

GeneDx
Classification: Uncertain significance. Last evaluated: 2026-08-26. Review status: criteria provided, single submitter. Criteria: GeneDx Variant Classification Process June 2021. Collection method: clinical testing. Allele origin: germline.
Comment: Not observed at significant frequency in large population cohorts (gnomAD); Has not been previously published as pathogenic or benign to our knowledge; In silico analysis suggests this variant may impact gene splicing. In the absence of RNA/functional studies, the actual effect of this sequence change is unknown.

Blueprint Genetics
Classification: Likely benign. Last evaluated: 2024-03-12. Review status: criteria provided, single submitter. Criteria: ACMG Guidelines, 2015. Collection method: clinical testing. Allele origin: germline.

Labcorp Genetics (formerly Invitae), Labcorp
Classification: Likely benign for Glycogen storage disease due to muscle and heart glycogen synthase deficiency. Last evaluated: 2024-02-26. Review status: criteria provided, single submitter. Criteria: Invitae Variant Classification Sherloc (09022015). Collection method: clinical testing. Allele origin: germline.

NM_002103.5(GYS1):c.1335C>T (p.Thr445=)

Gene: GYS1 (glycogen synthase 1; minus strand). Cytogenetic location: 19q13.33.
Variant type: single nucleotide variant.
Coding change: c.1335C>T on transcript NM_002103.5 (MANE Select); coding-DNA position 1335, C replaced by T.
Protein change: p.Thr445=; no amino-acid change (threonine 445 retained).
Molecular consequence: synonymous variant. On other transcripts: non-coding transcript variant (1).
Genome position (GRCh38, 1-based): chr19:48,974,707, G>A on the plus strand (C>T on the coding strand, the complement: GYS1 is on the minus strand). VCF-style: chr19-48974707-G-A. GRCh37 (hg19) VCF-style: chr19-49477964-G-A.
Other names: c.1143C>T, p.Thr381= (NM_001161587.2).
Identifiers: ClinVar variation 509833 (VCV000509833.7), dbSNP rs753790981, ClinGen allele CA9562974.